The following is an entry in ClinVar:

ClinVar aggregate classification (germline): Uncertain significance. Review status: criteria provided, single submitter (1 of 4 stars). 2 submissions from 2 submitters: Uncertain significance (1). 1 of the submissions does not count toward it. Last evaluated 2024-01-31.

Conditions:
Cardiomyopathy (CMYO). Also called: Cardiomyopathies. Identifiers: Orphanet 167848, MedGen C0878544, MONDO:0004994, HP:0001638. Inheritance: Various modes of inheritance.
Dystrophin deficiency.
Duchenne muscular dystrophy (DMD). Also called: MUSCULAR DYSTROPHY, PSEUDOHYPERTROPHIC PROGRESSIVE, DUCHENNE TYPE; Duchenne Muscular Dystrophy (DMD). Identifiers: Orphanet 98896, MedGen C0013264, MONDO:0010679, OMIM 310200.
Becker muscular dystrophy (BMD). Also called: Becker Muscular Dystrophy (BMD); MUSCULAR DYSTROPHY, PSEUDOHYPERTROPHIC PROGRESSIVE, BECKER TYPE. Identifiers: Orphanet 98895, MedGen C0917713, MONDO:0010311, OMIM 300376.

Allele frequency attached by ClinVar (database versions not stated): gnomAD exomes 0.00002 and 0.00001; ExAC 0.00001; TOPMed 0.00001; gnomAD 0.00002.
gnomAD v4.1: 18 of 1,207,634 alleles (0.0015%); highest among the groups gnomAD compares: Non-Finnish European, 0.002%; no homozygotes.

Submissions (2):

Labcorp Genetics (formerly Invitae), Labcorp
Classification: Uncertain significance for Duchenne muscular dystrophy. Last evaluated: 2024-01-31. Review status: criteria provided, single submitter. Criteria: Invitae Variant Classification Sherloc (09022015). Collection method: clinical testing. Allele origin: germline.
Comment: This sequence change replaces arginine, which is basic and polar, with serine, which is neutral and polar, at codon 1544 of the DMD protein (p.Arg1544Ser). This variant is present in population databases (rs780508132, gnomAD 0.002%). This variant has not been reported in the literature in individuals affected with DMD-related conditions. ClinVar contains an entry for this variant (Variation ID: 1038614). Advanced modeling of protein sequence and biophysical properties (such as structural, functional, and spatial information, amino acid conservation, physicochemical variation, residue mobility, and thermodynamic stability) performed at Invitae indicates that this missense variant is not expected to disrupt DMD protein function with a negative predictive value of 95%. In summary, the available evidence is currently insufficient to determine the role of this variant in disease. Therefore, it has been classified as a Variant of Uncertain Significance.

Natera, Inc.
Classification: Uncertain significance for Becker muscular dystrophy; Cardiomyopathy; Duchenne muscular dystrophy; Dystrophin deficiency. Last evaluated: 2018-10-18. Review status: no assertion criteria provided. Collection method: clinical testing. Allele origin: germline. Not counted in ClinVar's aggregate classification.

NM_004006.3(DMD):c.4632A>T (p.Arg1544Ser)

Gene: DMD (dystrophin; minus strand). Cytogenetic location: Xp21.1.
Variant type: single nucleotide variant.
Coding change: c.4632A>T on transcript NM_004006.3 (MANE Select); coding-DNA position 4632, A replaced by T.
Protein change: p.Arg1544Ser; replaces arginine 1544 with serine.
Molecular consequence: missense variant.
Genome position (GRCh38, 1-based): chrX:32,386,352, T>A on the plus strand (A>T on the coding strand, the complement: DMD is on the minus strand). VCF-style: chrX-32386352-T-A. GRCh37 (hg19) VCF-style: chrX-32404469-T-A.
Other names: c.4608A>T, p.Arg1536Ser (NM_000109.4); c.4620A>T, p.Arg1540Ser (NM_004009.3); c.4263A>T, p.Arg1421Ser (NM_004010.3); c.609A>T, p.Arg203Ser (NM_004011.4); c.600A>T, p.Arg200Ser (NM_004012.4); short protein forms R1536S, R1540S, R203S, R1421S, R1544S, R200S.
Identifiers: ClinVar variation 1038614 (VCV001038614.8), dbSNP rs780508132, ClinGen allele CA10378906.